The following is an entry in ClinVar:

NM_001378120.1(MBD5):c.5154dup (p.Lys1719fs)

Gene: MBD5 (methyl-CpG binding domain protein 5; plus strand). Cytogenetic location: 2q23.1.
Variant type: Duplication.
Coding change: c.5154dup on transcript NM_001378120.1 (MANE Select); coding-DNA position 5154, one base duplicated (C; older notation c.5154dupC).
Protein change: p.Lys1719fs; shifts the reading frame from lysine 1719.
Molecular consequence: frameshift variant.
Genome position (GRCh38, 1-based): chr2:148,512,911, C duplicated; the last of 6 consecutive C bases (chr2:148,512,906-148,512,911); duplicating any one gives the same sequence. VCF-style (leftmost placement, unchanged base first): chr2-148512905-A-AC. GRCh37 (hg19) VCF-style: chr2-149270474-A-AC.
Other names: c.4455dup, p.Lys1486fs (NM_018328.5); c.4455dup (NM_018328.4); short protein forms K1486fs, K1719fs.
Identifiers: ClinVar variation 2415055 (VCV002415055.6), dbSNP rs1060501151, ClinGen allele CA536898360.

ClinVar aggregate classification (germline): Uncertain significance. Review status: criteria provided, multiple submitters, no conflicts (2 of 4 stars). 2 submissions from 2 submitters: Uncertain significance (2). Last evaluated 2024-05-23.

Conditions:
Intellectual developmental disorder, autosomal dominant 1. Also called: Intellectual disability, autosomal dominant 1; MBD5 Haploinsufficiency. Identifiers: Orphanet 228402, MedGen C1969562, MONDO:0007974, OMIM 156200.

Submissions (2):

GeneDx
Classification: Uncertain significance. Last evaluated: 2024-05-23. Review status: criteria provided, single submitter. Criteria: GeneDx Variant Classification Process June 2021. Collection method: clinical testing. Allele origin: germline. Affected: yes.
Comment: Not observed at significant frequency in large population cohorts (gnomAD); Frameshift variant predicted to result in abnormal protein length as the last 9 amino acids are replaced with 21 different amino acids; Has not been previously published as pathogenic or benign to our knowledge

Labcorp Genetics (formerly Invitae), Labcorp
Classification: Uncertain significance for Intellectual developmental disorder, autosomal dominant 1. Last evaluated: 2023-08-07. Review status: criteria provided, single submitter. Criteria: Invitae Variant Classification Sherloc (09022015). Collection method: clinical testing. Allele origin: germline.
Comment: This sequence change results in a frameshift in the MBD5 gene (p.Lys1486Glnfs*22). While this is not anticipated to result in nonsense mediated decay, it is expected to disrupt the last 9 amino acid(s) of the MBD5 protein and extend the protein by 12 additional amino acid residues. This variant is present in population databases (no rsID available, gnomAD 0.0009%). This variant has not been reported in the literature in individuals affected with MBD5-related conditions. ClinVar contains an entry for this variant (Variation ID: 2415055). Experimental studies and prediction algorithms are not available or were not evaluated, and the functional significance of this variant is currently unknown. In summary, the available evidence is currently insufficient to determine the role of this variant in disease. Therefore, it has been classified as a Variant of Uncertain Significance.